The following is an entry in ClinVar:

NM_000368.5(TSC1):c.508G>A (p.Gly170Ser)

Gene: TSC1 (TSC complex subunit 1; minus strand). Cytogenetic location: 9q34.13.
Variant type: single nucleotide variant.
Coding change: c.508G>A on transcript NM_000368.5 (MANE Select); coding-DNA position 508, G replaced by A.
Protein change: p.Gly170Ser; replaces glycine 170 with serine.
Molecular consequence: missense variant. On other transcripts: 5 prime UTR variant (5), non-coding transcript variant (5).
Genome position (GRCh38, 1-based): chr9:132,923,348, C>T on the plus strand (G>A on the coding strand, the complement: TSC1 is on the minus strand). VCF-style: chr9-132923348-C-T. GRCh37 (hg19) VCF-style: chr9-135798735-C-T.
Other names: c.508G>A, p.Gly170Ser (NM_001162426.2, NM_001406592.1, NM_001406593.1 and 16 more transcripts); c.355G>A, p.Gly119Ser (NM_001162427.2, NM_001406610.1, NM_001406611.1 and 2 more transcripts); c.145G>A, p.Gly49Ser (NM_001362177.2, NM_001406614.1, NM_001406615.1 and 10 more transcripts); c.-370G>A (NM_001406626.1, NM_001406627.1, NM_001406628.1); c.-512G>A (NM_001406629.1); c.-586G>A (NM_001406630.1); short protein forms G119S, G170S, G49S.
Identifiers: ClinVar variation 2625197 (VCV002625197.6), dbSNP rs2132185994, ClinGen allele CA375373097.

ClinVar aggregate classification (germline): Conflicting classifications of pathogenicity. Review status: criteria provided, conflicting classifications (1 of 4 stars). 4 submissions from 4 submitters: Pathogenic (1); Likely pathogenic (2); Uncertain significance (1). Last evaluated 2024-06-24.

Conditions:
Hereditary cancer-predisposing syndrome. Also called: Tumor predisposition; Neoplastic Syndromes, Hereditary; Hereditary Cancer Syndrome; Hereditary neoplastic syndrome. Identifiers: Orphanet 140162, MedGen C0027672, MeSH D009386, MONDO:0015356.
Tuberous sclerosis 1 (TSC1). Identifiers: Orphanet 805, MedGen C1854465, MONDO:0008612, OMIM 191100.

Submissions (4):

Labcorp Genetics (formerly Invitae), Labcorp
Classification: Uncertain significance for Tuberous sclerosis 1. Last evaluated: 2024-06-24. Review status: criteria provided, single submitter. Criteria: Invitae Variant Classification Sherloc (09022015). Collection method: clinical testing. Allele origin: germline.
Comment: This sequence change replaces glycine, which is neutral and non-polar, with serine, which is neutral and polar, at codon 170 of the TSC1 protein (p.Gly170Ser). This variant also falls at the last nucleotide of exon 6, which is part of the consensus splice site for this exon. This variant is not present in population databases (gnomAD no frequency). This variant has not been reported in the literature in individuals affected with TSC1-related conditions. ClinVar contains an entry for this variant (Variation ID: 2625197). An algorithm developed to predict the effect of missense changes on protein structure and function (PolyPhen-2) suggests that this variant is likely to be disruptive. Variants that disrupt the consensus splice site are a relatively common cause of aberrant splicing (PMID: 17576681, 9536098). Algorithms developed to predict the effect of sequence changes on RNA splicing suggest that this variant may disrupt the consensus splice site. In summary, the available evidence is currently insufficient to determine the role of this variant in disease. Therefore, it has been classified as a Variant of Uncertain Significance.

GeneDx
Classification: Likely pathogenic. Last evaluated: 2024-04-19. Review status: criteria provided, single submitter. Criteria: GeneDx Variant Classification Process June 2021. Collection method: clinical testing. Allele origin: germline. Affected: yes.
Comment: Alters the last nucleotide of the exon and is predicted to destroy the splice donor site and result in aberrant splicing, although in the absence of functional evidence the actual effect of this sequence change is unknown; Not observed at significant frequency in large population cohorts (gnomAD); In silico analysis indicates that this missense variant does not alter protein structure/function; Has not been previously published as pathogenic or benign to our knowledge; This variant is associated with the following publications: (PMID: 35980750)

Ambry Genetics
Classification: Likely pathogenic for Hereditary cancer-predisposing syndrome. Last evaluated: 2023-07-06. Review status: criteria provided, single submitter. Criteria: Ambry Variant Classification Scheme 2023. Collection method: clinical testing. Allele origin: germline.
Comment: The c.508G>A variant (also known as p.G170S), located in coding exon 4 of the TSC1 gene, results from a G to A substitution at nucleotide position 508. The amino acid change results in glycine to serine at codon 170, an amino acid with similar properties. However, this change occurs in the last base pair of coding exon 4, which makes it likely to have some effect on normal mRNA splicing. This alteration has been observed in at least one individual with a personal and/or family history that is consistent with TSC1-related disease (Ambry internal data). This nucleotide position is highly conserved in available vertebrate species. In silico splice site analysis predicts that this alteration will weaken the native splice donor site and will result in the creation or strengthening of a novel splice donor site. RNA studies have demonstrated that this alteration results in abnormal splicing in the set of samples tested (Ambry internal data). In addition, the missense impact for this alteration is predicted to be deleterious by in silico analysis. Based on the majority of available evidence to date, this variant is likely to be pathogenic.

Oasi Research Institute-IRCCS
Classification: Pathogenic for Tuberous sclerosis 1. Review status: criteria provided, single submitter. Criteria: ACMG Guidelines, 2015. Collection method: research. Allele origin: de novo. Affected: yes.
Comment: The genomic variant c.508G>A is a single nucleotide substitution. Several tools classified the variant as pathogenic: BayesDel addAF; BayesDel noAF; REVEL; MetaRNN; CADD; dbscSNV; MaxEntScan; EIGEN; EIGEN PC; FATHMM-MKL; FATHMM-XF; LRT; M-CAP; MutPred. ACMG criteria: PP4 (phenotype match), PM2 (absent from controls), PP3 (in silico evidence), PS2 (de novo) = Pathogenic. Based on the evidence outlined above, the variant was classified as Pathogenic.

Literature cited by the submitters: PubMed 17576681 (cited by Labcorp Genetics (formerly Invitae), Labcorp); PubMed 9536098 (cited by Labcorp Genetics (formerly Invitae), Labcorp).